The following is an entry in ClinVar:

NM_002734.5(PRKAR1A):c.455C>T (p.Ala152Val)

Gene: PRKAR1A (protein kinase cAMP-dependent type I regulatory subunit alpha; plus strand). Cytogenetic location: 17q24.2.
Variant type: single nucleotide variant.
Coding change: c.455C>T on transcript NM_002734.5 (MANE Select); coding-DNA position 455, C replaced by T.
Protein change: p.Ala152Val; replaces alanine 152 with valine.
Molecular consequence: missense variant.
Genome position (GRCh38, 1-based): chr17:68,524,030, C>T. VCF-style: chr17-68524030-C-T. GRCh37 (hg19) VCF-style: chr17-66520171-C-T.
Other names: c.455C>T, p.Ala152Val (NM_001276289.2, NM_001276290.1, NM_001278433.2 and 4 more transcripts); c.455C>T (NM_002734.3); short protein forms A152V.
Identifiers: ClinVar variation 2849358 (VCV002849358.4), dbSNP rs2143293228, ClinGen allele CA400752806.

ClinVar aggregate classification (germline): Uncertain significance. Review status: criteria provided, multiple submitters, no conflicts (2 of 4 stars). 2 submissions from 2 submitters: Uncertain significance (2). Last evaluated 2023-06-08.

Conditions:
Carney complex, type 1 (CNC1). Also called: CARNEY MYXOMA-ENDOCRINE COMPLEX; CARNEY COMPLEX, TYPE I. Identifiers: Orphanet 1359, MedGen C2607929, MONDO:0008057, OMIM 160980.

Submissions (2):

GeneDx
Classification: Uncertain significance. Last evaluated: 2023-06-08. Review status: criteria provided, single submitter. Criteria: GeneDx Variant Classification Process June 2021. Collection method: clinical testing. Allele origin: germline. Affected: yes.
Comment: Not observed at significant frequency in large population cohorts (gnomAD); In silico analysis supports that this missense variant has a deleterious effect on protein structure/function; Has not been previously published as pathogenic or benign to our knowledge; This variant is associated with the following publications: (PMID: 24363928)

Labcorp Genetics (formerly Invitae), Labcorp
Classification: Uncertain significance for Carney complex, type 1. Last evaluated: 2023-03-25. Review status: criteria provided, single submitter. Criteria: Invitae Variant Classification Sherloc (09022015). Collection method: clinical testing. Allele origin: germline.
Comment: This variant has not been reported in the literature in individuals affected with PRKAR1A-related conditions. This sequence change replaces alanine, which is neutral and non-polar, with valine, which is neutral and non-polar, at codon 152 of the PRKAR1A protein (p.Ala152Val). This variant is not present in population databases (gnomAD no frequency). Advanced modeling of protein sequence and biophysical properties (such as structural, functional, and spatial information, amino acid conservation, physicochemical variation, residue mobility, and thermodynamic stability) performed at Invitae indicates that this missense variant is not expected to disrupt PRKAR1A protein function. In summary, the available evidence is currently insufficient to determine the role of this variant in disease. Therefore, it has been classified as a Variant of Uncertain Significance.